The following is an entry in ClinVar:

NM_002519.3(NPAT):c.1310A>G (p.Lys437Arg)

Gene: NPAT (nuclear protein, coactivator of histone transcription; minus strand). Cytogenetic location: 11q22.3.
Variant type: single nucleotide variant.
Coding change: c.1310A>G on transcript NM_002519.3 (MANE Select); coding-DNA position 1310, A replaced by G.
Protein change: p.Lys437Arg; replaces lysine 437 with arginine.
Molecular consequence: missense variant.
Genome position (GRCh38, 1-based): chr11:108,173,674, T>C on the plus strand (A>G on the coding strand, the complement: NPAT is on the minus strand). VCF-style: chr11-108173674-T-C. GRCh37 (hg19) VCF-style: chr11-108044401-T-C.
Other names: c.1310A>G, p.Lys437Arg (NM_001321307.1); short protein forms K437R.
Identifiers: ClinVar variation 1769648 (VCV001769648.2), dbSNP rs2496721788, ClinGen allele CA382515661.

ClinVar aggregate classification (germline): Uncertain significance (1 of 4 stars; one submission).

Submission:

Ambry Genetics
Classification: Uncertain significance. Last evaluated: 2022-09-08. Review status: criteria provided, single submitter. Criteria: Ambry Variant Classification Scheme 2023. Collection method: clinical testing. Allele origin: germline.
Comment: The p.K437R variant (also known as c.1310A>G), located in coding exon 13 of the NPAT gene, results from an A to G substitution at nucleotide position 1310. The lysine at codon 437 is replaced by arginine, an amino acid with highly similar properties. This amino acid position is conserved. In addition, this alteration is predicted to be tolerated by in silico analysis. Since supporting evidence is limited at this time, the clinical significance of this alteration remains unclear.